The following is an entry in ClinVar:

ClinVar aggregate classification (germline): Uncertain significance. Review status: criteria provided, multiple submitters, no conflicts (2 of 4 stars). 3 submissions from 3 submitters: Uncertain significance (3). Last evaluated 2024-03-24.

Conditions:
Malignant hyperthermia, susceptibility to, 1 (MHS1). Also called: RYR1-Related Malignant Hyperthermia Susceptibility; Anesthesia related hyperthermia; Malignant hyperpyrexia; Fulminating hyperpyrexia; Pharmacogenic myopathy; Malignant hyperthermia suceptibility 1. Identifiers: Orphanet 423, MedGen C2930980, MONDO:0007783, OMIM 145600.
RYR1-related disorder. Also called: RYR1-related condition; RYR1-related disorders. Identifiers: MedGen CN239331.

Allele frequency attached by ClinVar (database versions not stated): gnomAD exomes below 0.00001; TOPMed 0.00001.
gnomAD v4.1: 2 of 1,614,138 alleles (0.00012%); highest among the groups gnomAD compares: African/African-American, 0.0027%; no homozygotes.

Submissions (3):

All of Us Research Program, National Institutes of Health
Classification: Uncertain significance for Malignant hyperthermia, susceptibility to, 1. Last evaluated: 2024-03-24. Review status: criteria provided, single submitter. Criteria: ACMG Guidelines, 2015. Collection method: clinical testing. Allele origin: germline. Inheritance: Autosomal dominant inheritance. Observed: 3 variant alleles, 3 heterozygotes.
Comment: This variant causes an A to G nucleotide substitution at the +3 position of intron 62 of the RYR1 gene. To our knowledge, functional studies have not been reported for this variant. This variant has not been reported in individuals affected with RYR1-related disorders in the literature. This variant has been identified in 1/251384 chromosomes in the general population by the Genome Aggregation Database (gnomAD). The available evidence is insufficient to determine the role of this variant in disease conclusively. Therefore, this variant is classified as a Variant of Uncertain Significance.

This study involves interpretation of variants in research participants for the purpose of population health screening. Participant phenotype was not available at the time of variant classification. Additional details can be found in publication PMID: 35346344, PMCID: PMC8962531

Women's Health and Genetics/Laboratory Corporation of America, LabCorp
Classification: Uncertain significance. Last evaluated: 2023-03-27. Review status: criteria provided, single submitter. Criteria: LabCorp Variant Classification Summary - May 2015. Collection method: clinical testing. Allele origin: germline.
Comment: Variant summary: RYR1 c.9233+3A>G alters a non-conserved nucleotide located close to a canonical splice site and therefore could affect mRNA splicing, leading to a significantly altered protein sequence. One in silico tool predicts probably damaging effect for this variant in splicing (Trap score 0.59). However these predictions have not been validated experimentally. The variant allele was found at a frequency of 4e-06 in 251384 control chromosomes (gnomAD). The available data on variant occurrences in the general population are insufficient to allow any conclusion about variant significance. To our knowledge, no occurrence of c.9233+3A>G in individuals affected with Malignant Hyperthermia Susceptibility and no experimental evidence demonstrating its impact on protein function have been reported. One clinical diagnostic laboratory has submitted clinical-significance assessments for this variant to ClinVar after 2014 and classified the variant as uncertain significance. Based on the evidence outlined above, the variant was classified as uncertain significance.

Labcorp Genetics (formerly Invitae), Labcorp
Classification: Uncertain significance for RYR1-related disorder. Last evaluated: 2021-08-17. Review status: criteria provided, single submitter. Criteria: Invitae Variant Classification Sherloc (09022015). Collection method: clinical testing. Allele origin: germline.
Comment: This sequence change falls in intron 62 of the RYR1 gene. It does not directly change the encoded amino acid sequence of the RYR1 protein, but it affects a nucleotide within the consensus splice site of the intron. This variant is not present in population databases (ExAC no frequency). This variant has not been reported in the literature in individuals with RYR1-related disease. Nucleotide substitutions within the consensus splice site are a relatively common cause of aberrant splicing (PMID: 17576681, 9536098). Algorithms developed to predict the effect of sequence changes on RNA splicing suggest that this variant may disrupt the consensus splice site, but this prediction has not been confirmed by published transcriptional studies. In summary, the available evidence is currently insufficient to determine the role of this variant in disease. Therefore, it has been classified as a Variant of Uncertain Significance.

Literature cited by the submitters: PubMed 17576681 (cited by Labcorp Genetics (formerly Invitae), Labcorp); PubMed 9536098 (cited by Labcorp Genetics (formerly Invitae), Labcorp).

NM_000540.3(RYR1):c.9233+3A>G

Gene: RYR1 (ryanodine receptor 1; plus strand). Cytogenetic location: 19q13.2.
Variant type: single nucleotide variant.
Coding change: c.9233+3A>G on transcript NM_000540.3 (MANE Select); 3 bases into the intron after coding-DNA position 9233, A replaced by G.
Molecular consequence: intron variant.
Genome position (GRCh38, 1-based): chr19:38,512,135, A>G. VCF-style: chr19-38512135-A-G. GRCh37 (hg19) VCF-style: chr19-39002775-A-G.
Other names: c.9233+3A>G (NM_001042723.2).
Identifiers: ClinVar variation 544430 (VCV000544430.8), dbSNP rs1555787274, ClinGen allele CA633066424.